The following is an entry in ClinVar:

ClinVar aggregate classification (germline): Uncertain significance (1 of 4 stars; one submission).

Conditions:
Neurofibromatosis, type 1 (NF1). Also called: Neurofibromatosis, type I; Peripheral type neurofibromatosis; VON RECKLINGHAUSEN DISEASE; NEUROFIBROMATOSIS, TYPE I, SOMATIC. Identifiers: Orphanet 636, MedGen C0027831, MONDO:0018975, OMIM 162200. Disease mechanism: loss of function.

Submission:

Labcorp Genetics (formerly Invitae), Labcorp
Classification: Uncertain significance for Neurofibromatosis, type 1. Last evaluated: 2022-07-22. Review status: criteria provided, single submitter. Criteria: Invitae Variant Classification Sherloc (09022015). Collection method: clinical testing. Allele origin: germline.
Comment: In summary, the available evidence is currently insufficient to determine the role of this variant in disease. Therefore, it has been classified as a Variant of Uncertain Significance. Algorithms developed to predict the effect of missense changes on protein structure and function are either unavailable or do not agree on the potential impact of this missense change (SIFT: "Tolerated"; PolyPhen-2: "Probably Damaging"; Align-GVGD: "Class C0"). This variant has not been reported in the literature in individuals affected with NF1-related conditions. This variant is not present in population databases (gnomAD no frequency). This sequence change replaces asparagine, which is neutral and polar, with serine, which is neutral and polar, at codon 1112 of the NF1 protein (p.Asn1112Ser).

NM_001042492.3(NF1):c.3335A>G (p.Asn1112Ser)

Gene: NF1 (neurofibromin 1; plus strand). Cytogenetic location: 17q11.2.
Variant type: single nucleotide variant.
Coding change: c.3335A>G on transcript NM_001042492.3 (MANE Select); coding-DNA position 3335, A replaced by G.
Protein change: p.Asn1112Ser; replaces asparagine 1112 with serine.
Molecular consequence: missense variant.
Genome position (GRCh38, 1-based): chr17:31,232,720, A>G. VCF-style: chr17-31232720-A-G. GRCh37 (hg19) VCF-style: chr17-29559738-A-G.
Other names: c.3335A>G, p.Asn1112Ser (NM_000267.4); short protein forms N1112S.
Identifiers: ClinVar variation 2010430 (VCV002010430.4), dbSNP rs2151434487, ClinGen allele CA398989009.